The following is an entry in ClinVar:

NM_005491.5(MAMLD1):c.874G>A (p.Ala292Thr)

Gene: MAMLD1 (mastermind like domain containing 1; plus strand). Cytogenetic location: Xq28.
Variant type: single nucleotide variant.
Coding change: c.874G>A on transcript NM_005491.5 (MANE Select); coding-DNA position 874, G replaced by A.
Protein change: p.Ala292Thr; replaces alanine 292 with threonine.
Molecular consequence: missense variant.
Genome position (GRCh38, 1-based): chrX:150,470,447, G>A. VCF-style: chrX-150470447-G-A. GRCh37 (hg19) VCF-style: chrX-149638719-G-A.
Other names: c.799G>A, p.Ala267Thr (NM_001177465.3, NM_001177466.3, NM_001400514.1); c.874G>A, p.Ala292Thr (NM_001400512.1, NM_001400513.1, NM_001400515.1); c.874G>A (NM_005491.3); short protein forms A267T, A292T.
Identifiers: ClinVar variation 3025696 (VCV003025696.24), dbSNP rs782789070, ClinGen allele CA10538716.
Genomic context (GRCh38, chrX:150,470,447, plus strand): 5'-GTGTCACCGAGTTCTTCAATGGCACAGTCCAAGAGCCAGGTCCAGGCCATGCTCCCTGTC[G>A]CTCTGCCCCCCTTACCAGTGCCTCAGTGGCATCACGCCCACCAGCTGAAGGCGTTGGCAG-3'
Protein context (NP_005482.2, residues 282-302): KSQVQAMLPV[Ala292Thr]LPPLPVPQWH

ClinVar aggregate classification (germline): Likely benign. Review status: criteria provided, multiple submitters, no conflicts (2 of 4 stars). 3 submissions from 3 submitters: Likely benign (3). Last evaluated 2025-10-16.

Conditions:
Inborn genetic diseases. Identifiers: MedGen C0950123, MeSH D030342.

Allele frequency attached by ClinVar (database versions not stated): TOPMed 0.00002; gnomAD 0.00005.
gnomAD v4.1: 27 of 1,210,407 alleles (0.0022%); highest among the groups gnomAD compares: Admixed American, 0.02%; no homozygotes.

Submissions (3):

Labcorp Genetics (formerly Invitae), Labcorp
Classification: Likely benign. Last evaluated: 2025-10-16. Review status: criteria provided, single submitter. Criteria: Invitae Variant Classification Sherloc (09022015). Collection method: clinical testing. Allele origin: germline.

CeGaT Center for Human Genetics Tuebingen
Classification: Likely benign. Last evaluated: 2024-02-01. Review status: criteria provided, single submitter. Criteria: CeGaT Center For Human Genetics Tuebingen Variant Classification Criteria Version 2. Collection method: clinical testing. Allele origin: germline. Affected: yes. Observed: 1 variant allele.
Comment: MAMLD1: BP4

Ambry Genetics
Classification: Likely benign for Inborn genetic diseases. Last evaluated: 2023-03-01. Review status: criteria provided, single submitter. Criteria: Ambry Variant Classification Scheme 2023. Collection method: clinical testing. Allele origin: germline.